The following is an entry in ClinVar:

NM_000465.4(BARD1):c.606T>G (p.Ser202=)

Gene: BARD1 (BRCA1 associated RING domain 1; minus strand). Cytogenetic location: 2q35.
Variant type: single nucleotide variant.
Coding change: c.606T>G on transcript NM_000465.4 (MANE Select); coding-DNA position 606, T replaced by G.
Protein change: p.Ser202=; no amino-acid change (serine 202 retained).
Molecular consequence: synonymous variant. On other transcripts: non-coding transcript variant (2), intron variant (3).
Genome position (GRCh38, 1-based): chr2:214,781,268, A>C on the plus strand (T>G on the coding strand, the complement: BARD1 is on the minus strand). VCF-style: chr2-214781268-A-C. GRCh37 (hg19) VCF-style: chr2-215645992-A-C.
Other names: c.606T>G (NM_000465.2); c.549T>G, p.Ser183= (NM_001282543.2); c.158+28144T>G (NM_001282548.2); c.215+15793T>G (NM_001282545.2); c.364+11029T>G (NM_001282549.2).
Identifiers: ClinVar variation 1611634 (VCV001611634.11), dbSNP rs762810549, ClinGen allele CA2090402.

ClinVar aggregate classification (germline): Benign/Likely benign. Review status: criteria provided, multiple submitters, no conflicts (2 of 4 stars). 3 submissions from 3 submitters: Benign (1); Likely benign (2). Last evaluated 2025-12-21.

Conditions:
Hereditary cancer-predisposing syndrome. Also called: Tumor predisposition; Hereditary Cancer Syndrome; Neoplastic Syndromes, Hereditary; Hereditary neoplastic syndrome. Identifiers: Orphanet 140162, MedGen C0027672, MeSH D009386, MONDO:0015356.
Familial cancer of breast. Also called: BREAST CANCER, FAMILIAL; Hereditary breast cancer; hereditary breast carcinoma. Identifiers: Orphanet 227535, MedGen C0346153, MONDO:0016419, OMIM 114480. Disease mechanism: loss of function.

Allele frequency attached by ClinVar (database versions not stated): gnomAD exomes below 0.00001 and 0.00001; ExAC 0.00001.
gnomAD v4.1: 5 of 1,595,392 alleles (0.00031%); highest among the groups gnomAD compares: South Asian, 0.0058%; no homozygotes.

Submissions (3):

Labcorp Genetics (formerly Invitae), Labcorp
Classification: Likely benign for Familial cancer of breast. Last evaluated: 2025-12-21. Review status: criteria provided, single submitter. Criteria: Invitae Variant Classification Sherloc (09022015). Collection method: clinical testing. Allele origin: germline.

Ambry Genetics
Classification: Likely benign for Hereditary cancer-predisposing syndrome. Last evaluated: 2025-02-23. Review status: criteria provided, single submitter. Criteria: Ambry Variant Classification Scheme 2023. Collection method: clinical testing. Allele origin: germline.

Myriad Genetics, Inc.
Classification: Benign for Familial cancer of breast. Last evaluated: 2024-07-22. Review status: criteria provided, single submitter. Criteria: Myriad Autosomal Dominant, Autosomal Recessive and X-Linked Classification Criteria (2023). Collection method: clinical testing. Allele origin: unknown.
Comment: This variant is considered benign. This variant is a silent/synonymous amino acid change and it is not expected to impact splicing.